The following is an entry in ClinVar:

ClinVar aggregate classification (germline): Uncertain significance (1 of 4 stars; one submission).

Submission:

Labcorp Genetics (formerly Invitae), Labcorp
Classification: Uncertain significance. Last evaluated: 2021-10-29. Review status: criteria provided, single submitter. Criteria: Invitae Variant Classification Sherloc (09022015). Collection method: clinical testing. Allele origin: germline.
Comment: This sequence change replaces tyrosine, which is neutral and polar, with cysteine, which is neutral and slightly polar, at codon 1190 of the ADGRA3 protein (p.Tyr1190Cys). This variant is not present in population databases (gnomAD no frequency). This variant has not been reported in the literature in individuals affected with ADGRA3-related conditions. Algorithms developed to predict the effect of missense changes on protein structure and function (SIFT, PolyPhen-2, Align-GVGD) all suggest that this variant is likely to be disruptive. Algorithms developed to predict the effect of sequence changes on RNA splicing suggest that this variant may create or strengthen a splice site. In summary, the available evidence is currently insufficient to determine the role of this variant in disease. Therefore, it has been classified as a Variant of Uncertain Significance.

NM_145290.4(ADGRA3):c.3569A>G (p.Tyr1190Cys)

Gene: ADGRA3 (adhesion G protein-coupled receptor A3; minus strand). Cytogenetic location: 4p15.2.
Variant type: single nucleotide variant.
Coding change: c.3569A>G on transcript NM_145290.4 (MANE Select); coding-DNA position 3569, A replaced by G.
Protein change: p.Tyr1190Cys; replaces tyrosine 1190 with cysteine.
Molecular consequence: missense variant.
Genome position (GRCh38, 1-based): chr4:22,388,102, T>C on the plus strand (A>G on the coding strand, the complement: ADGRA3 is on the minus strand). VCF-style: chr4-22388102-T-C. GRCh37 (hg19) VCF-style: chr4-22389725-T-C.
Other names: short protein forms Y1190C.
Identifiers: ClinVar variation 1485455 (VCV001485455.6), dbSNP rs2108988476, ClinGen allele CA356472155.